The following is an entry in ClinVar:

NM_005904.4(SMAD7):c.971C>T (p.Thr324Met)

Gene: SMAD7 (SMAD family member 7; minus strand). Cytogenetic location: 18q21.1.
Variant type: single nucleotide variant.
Coding change: c.971C>T on transcript NM_005904.4 (MANE Select); coding-DNA position 971, C replaced by T.
Protein change: p.Thr324Met; replaces threonine 324 with methionine.
Molecular consequence: missense variant.
Genome position (GRCh38, 1-based): chr18:48,921,682, G>A on the plus strand (C>T on the coding strand, the complement: SMAD7 is on the minus strand). VCF-style: chr18-48921682-G-A. GRCh37 (hg19) VCF-style: chr18-46448052-G-A.
Other names: c.968C>T, p.Thr323Met (NM_001190821.2); c.326C>T, p.Thr109Met (NM_001190822.2); c.407C>T, p.Thr136Met (NM_001190823.2); short protein forms T109M, T323M, T324M, T136M.
Identifiers: ClinVar variation 4586872 (VCV004586872.1).
Genomic context (GRCh38, chr18:48,921,682, plus strand): 5'-GACTTGATGAAGATGGGGTAACTGCTGCGGTTGTACACCCACACACCATCCACCTCCCGC[G>A]TCAGCTGGATGCCGCAGCCGATTTTGCTCCGCACCTTCTGCACCAGCTGACTCTTGTTGT-3'
Protein context (NP_005895.1, residues 314-334): RSKIGCGIQL[Thr324Met]REVDGVWVYN

ClinVar aggregate classification (germline): Uncertain significance (1 of 4 stars; one submission).

gnomAD v4.1: 3 of 1,612,902 alleles (0.00019%); highest among the groups gnomAD compares: Non-Finnish European, 0.00025%; no homozygotes.

Submission:

Ambry Genetics
Classification: Uncertain significance. Last evaluated: 2025-09-25. Review status: criteria provided, single submitter. Criteria: Ambry Variant Classification Scheme 2023. Collection method: clinical testing. Allele origin: germline.
Comment: The c.971C>T (p.T324M) alteration is located in exon 4 (coding exon 4) of the SMAD7 gene. This alteration results from a C to T substitution at nucleotide position 971, causing the threonine (T) at amino acid position 324 to be replaced by a methionine (M). Based on data from gnomAD, the T allele has an overall frequency of <0.001% (0/249228) total alleles studied. The highest observed frequency was <0.001% (/) of alleles. Based on insufficient or conflicting evidence, the clinical significance of this alteration remains unclear.